The following is an entry in ClinVar:

ClinVar aggregate classification (germline): Uncertain significance. Review status: criteria provided, multiple submitters, no conflicts (2 of 4 stars). 2 submissions from 2 submitters: Uncertain significance (2). Last evaluated 2025-02-19.

Conditions:
Inborn genetic diseases. Identifiers: MedGen C0950123, MeSH D030342.
Hereditary spastic paraplegia 39 (SPG39). Also called: Spastic Paraplegia Type 39 (SPG39); SPASTIC PARAPLEGIA 39, AUTOSOMAL RECESSIVE. Identifiers: Orphanet 139480, MedGen C2677586, MONDO:0012787, OMIM 612020.

Allele frequency attached by ClinVar (database versions not stated): ExAC 0.00001; gnomAD 0.00001; gnomAD exomes 0.00001; TOPMed 0.00002; ESP Exome Variant Server 0.00008.

Submissions (2):

Ambry Genetics
Classification: Uncertain significance for Inborn genetic diseases. Last evaluated: 2025-02-19. Review status: criteria provided, single submitter. Criteria: Ambry Variant Classification Scheme 2023. Collection method: clinical testing. Allele origin: germline.

Labcorp Genetics (formerly Invitae), Labcorp
Classification: Uncertain significance for Hereditary spastic paraplegia 39. Last evaluated: 2022-08-16. Review status: criteria provided, single submitter. Criteria: Invitae Variant Classification Sherloc (09022015). Collection method: clinical testing. Allele origin: germline.
Comment: In summary, the available evidence is currently insufficient to determine the role of this variant in disease. Therefore, it has been classified as a Variant of Uncertain Significance. Algorithms developed to predict the effect of missense changes on protein structure and function (SIFT, PolyPhen-2, Align-GVGD) all suggest that this variant is likely to be tolerated. ClinVar contains an entry for this variant (Variation ID: 1478597). This variant has not been reported in the literature in individuals affected with PNPLA6-related conditions. The frequency data for this variant in the population databases is considered unreliable, as metrics indicate poor data quality at this position in the gnomAD database. This sequence change replaces serine, which is neutral and polar, with leucine, which is neutral and non-polar, at codon 1285 of the PNPLA6 protein (p.Ser1285Leu).

NM_001166114.2(PNPLA6):c.3968C>T (p.Ser1323Leu)

Gene: PNPLA6 (patatin like domain 6, lysophospholipase; plus strand). Cytogenetic location: 19p13.2.
Variant type: single nucleotide variant.
Coding change: c.3968C>T on transcript NM_001166114.2 (MANE Select); coding-DNA position 3968, C replaced by T.
Protein change: p.Ser1323Leu; replaces serine 1323 with leucine.
Molecular consequence: missense variant.
Genome position (GRCh38, 1-based): chr19:7,561,262, C>T. VCF-style: chr19-7561262-C-T. GRCh37 (hg19) VCF-style: chr19-7626148-C-T.
Other names: c.3998C>T, p.Ser1333Leu (NM_001166111.2); c.3773C>T, p.Ser1258Leu (NM_001166112.2); c.3854C>T, p.Ser1285Leu (NM_001166113.1, NM_006702.5); c.3854C>T (NM_006702.4); short protein forms S1258L, S1285L, S1323L, S1333L.
Identifiers: ClinVar variation 1478597 (VCV001478597.7), dbSNP rs147822708, ClinGen allele CA9140654.